The following is an entry in ClinVar:

ClinVar aggregate classification (germline): Uncertain significance (1 of 4 stars; one submission).

Submission:

Labcorp Genetics (formerly Invitae), Labcorp
Classification: Uncertain significance. Last evaluated: 2023-01-24. Review status: criteria provided, single submitter. Criteria: Invitae Variant Classification Sherloc (09022015). Collection method: clinical testing. Allele origin: unknown.
Comment: In summary, the available evidence is currently insufficient to determine the role of this variant in disease. Therefore, it has been classified as a Variant of Uncertain Significance. This variant has not been reported in the literature in individuals affected with POLE2-related conditions. A copy number gain of the genomic region encompassing the full coding sequence of the POLE2 gene has been identified. The boundaries of this event are unknown as they extend beyond the assayed region for this gene and therefore may encompass additional genes. As the precise location of this event is unknown, it may be in tandem or it may be located elsewhere in the genome.

NC_000014.8:g.(?_50110370)_(50154921_?)dup

Gene: POLE2 (DNA polymerase epsilon 2, accessory subunit; minus strand). Cytogenetic location: 14q21.3.
Variant type: Duplication.
Identifiers: ClinVar variation 3244078 (VCV003244078.1).